The following is an entry in ClinVar:

ClinVar aggregate classification (germline): Uncertain significance (1 of 4 stars; one submission).

Conditions:
3-methylglutaconic aciduria with deafness, encephalopathy, and Leigh-like syndrome (MEGDEL). Also called: SERAC1 Deficiency; 3-METHYLGLUTACONIC ACIDURIA, TYPE VI; MEGDEL syndrome. Identifiers: Orphanet 352328, MedGen C4040739, MONDO:0013875, OMIM 614739.

Allele frequency attached by ClinVar (database versions not stated): ExAC 0.00008; TOPMed 0.00003.
gnomAD v4.1: 30 of 1,614,128 alleles (0.0019%); highest among the groups gnomAD compares: East Asian, 0.056%; no homozygotes.

Submission:

Labcorp Genetics (formerly Invitae), Labcorp
Classification: Uncertain significance for 3-methylglutaconic aciduria with deafness, encephalopathy, and Leigh-like syndrome. Last evaluated: 2023-08-17. Review status: criteria provided, single submitter. Criteria: Invitae Variant Classification Sherloc (09022015). Collection method: clinical testing. Allele origin: germline.
Comment: This sequence change replaces threonine, which is neutral and polar, with serine, which is neutral and polar, at codon 455 of the SERAC1 protein (p.Thr455Ser). This variant is present in population databases (rs767870142, gnomAD 0.09%). This variant has not been reported in the literature in individuals affected with SERAC1-related conditions. ClinVar contains an entry for this variant (Variation ID: 1034742). Advanced modeling of protein sequence and biophysical properties (such as structural, functional, and spatial information, amino acid conservation, physicochemical variation, residue mobility, and thermodynamic stability) performed at Invitae indicates that this missense variant is not expected to disrupt SERAC1 protein function. In summary, the available evidence is currently insufficient to determine the role of this variant in disease. Therefore, it has been classified as a Variant of Uncertain Significance.

NM_032861.4(SERAC1):c.1364C>G (p.Thr455Ser)

Gene: SERAC1 (serine active site containing 1; minus strand). Cytogenetic location: 6q25.3.
Variant type: single nucleotide variant.
Coding change: c.1364C>G on transcript NM_032861.4 (MANE Select); coding-DNA position 1364, C replaced by G.
Protein change: p.Thr455Ser; replaces threonine 455 with serine.
Molecular consequence: missense variant.
Genome position (GRCh38, 1-based): chr6:158,117,766, G>C on the plus strand (C>G on the coding strand, the complement: SERAC1 is on the minus strand). VCF-style: chr6-158117766-G-C. GRCh37 (hg19) VCF-style: chr6-158538798-G-C.
Other names: short protein forms T455S.
Identifiers: ClinVar variation 1034742 (VCV001034742.7), dbSNP rs767870142, ClinGen allele CA4071117.